The following is an entry in ClinVar:

ClinVar aggregate classification (germline): Pathogenic/Likely pathogenic. Review status: criteria provided, multiple submitters, no conflicts (2 of 4 stars). 6 submissions from 6 submitters: Pathogenic (1); Likely pathogenic (4). 1 of the submissions does not count toward it. Last evaluated 2025-12-12.

Conditions:
Glycogen storage disease type III (GSD3). Also called: FORBES DISEASE; Cori disease. Identifiers: Orphanet 366, MedGen C0017922, MONDO:0009291, OMIM 232400.

Submissions (6):

Natera, Inc.
Classification: Likely pathogenic for Glycogen storage disease type III. Last evaluated: 2025-12-12. Review status: criteria provided, single submitter. Criteria: Natera Variant Classification Schema (03/2026). Collection method: clinical testing. Allele origin: germline.
Comment: The c.223_224delGA variant in AGL is a frameshift variant predicted to shift the reading frame and introduce a stop codon. This variant is expected to result in nonsense mediated decay, truncation, or a dysfunctional protein product. This variant is rare in the general population with a frequency below the threshold expected for the associated phenotype(s). Given the available evidence, this variant is classified as Likely Pathogenic.

Labcorp Genetics (formerly Invitae), Labcorp
Classification: Pathogenic for Glycogen storage disease type III. Last evaluated: 2025-07-22. Review status: criteria provided, single submitter. Criteria: Invitae Variant Classification Sherloc (09022015). Collection method: clinical testing. Allele origin: germline.
Comment: This sequence change creates a premature translational stop signal (p.Asp75*) in the AGL gene. It is expected to result in an absent or disrupted protein product. Loss-of-function variants in AGL are known to be pathogenic (PMID: 19299494). This variant is present in population databases (rs767346840, gnomAD 0.0009%). This variant has not been reported in the literature in individuals affected with AGL-related conditions. ClinVar contains an entry for this variant (Variation ID: 554853). For these reasons, this variant has been classified as Pathogenic.

Baylor Genetics
Classification: Likely pathogenic for Glycogen storage disease type III. Last evaluated: 2023-11-08. Review status: criteria provided, single submitter. Criteria: ACMG Guidelines, 2015. Collection method: clinical testing. Allele origin: unknown.

Genome-Nilou Lab
Classification: Likely pathogenic for Glycogen storage disease type III. Last evaluated: 2023-04-11. Review status: criteria provided, single submitter. Criteria: ACMG Guidelines, 2015. Collection method: clinical testing. Allele origin: germline. Affected: no.

Fulgent Genetics
Classification: Likely pathogenic for Glycogen storage disease type III. Last evaluated: 2022-02-16. Review status: criteria provided, single submitter. Criteria: ACMG Guidelines, 2015. Collection method: clinical testing. Allele origin: unknown.

Counsyl
Classification: Likely pathogenic for Glycogen storage disease type III. Last evaluated: 2017-11-15. Review status: no assertion criteria provided. Collection method: clinical testing. Allele origin: unknown. Not counted in ClinVar's aggregate classification.

Literature cited by the submitters: PubMed 19299494 (cited by Labcorp Genetics (formerly Invitae), Labcorp).

NM_000642.3(AGL):c.223_224del (p.Glu74_Asp75insTer)

Gene: AGL (amylo-alpha-1,6-glucosidase and 4-alpha-glucanotransferase; plus strand). Cytogenetic location: 1p21.2.
Variant type: Deletion.
Coding change: c.223_224del on transcript NM_000642.3 (MANE Select); coding-DNA positions 223 to 224, 2 bases deleted (GA; older notation c.223_224delGA).
Protein change: p.Glu74_Asp75insTer.
Molecular consequence: nonsense. On other transcripts: frameshift variant (9).
Genome position (GRCh38, 1-based): chr1:99,861,643-99,861,644, GA deleted; deleting any 2 consecutive bases within chr1:99,861,642-99,861,644 gives the same sequence; the c. name uses the placement nearest the transcript's 3' end. VCF-style (leftmost placement, unchanged base first): chr1-99861641-AAG-A. GRCh37 (hg19) VCF-style: chr1-100327197-AAG-A.
Other names: c.223_224delGA, p.Asp75Terfs (NM_001425326.1, NM_001425327.1, NM_000028.3 and 5 more transcripts); c.175_176delGA, p.Asp59Terfs (NM_000646.3); c.223_224del (NM_000642.2).
Identifiers: ClinVar variation 554853 (VCV000554853.12), dbSNP rs767346840, ClinGen allele CA966091.